The following is an entry in ClinVar:

NM_000257.4(MYH7):c.5659G>T (p.Glu1887Ter)

Gene: MYH7 (myosin heavy chain 7; minus strand). Cytogenetic location: 14q11.2.
Variant type: single nucleotide variant.
Coding change: c.5659G>T on transcript NM_000257.4 (MANE Select); coding-DNA position 5659, G replaced by T.
Protein change: p.Glu1887Ter; replaces glutamic acid 1887 with a stop codon.
Molecular consequence: nonsense.
Genome position (GRCh38, 1-based): chr14:23,413,890, C>A on the plus strand (G>T on the coding strand, the complement: MYH7 is on the minus strand). VCF-style: chr14-23413890-C-A. GRCh37 (hg19) VCF-style: chr14-23883099-C-A.
Other names: short protein forms E1887*.
Identifiers: ClinVar variation 1690656 (VCV001690656.2), dbSNP rs2138635468, ClinGen allele CA389034749.

ClinVar aggregate classification (germline): Uncertain significance (1 of 4 stars; one submission).

Submission:

Laboratorio de Genetica e Diagnostico Molecular, Hospital Israelita Albert Einstein
Classification: Uncertain significance. Last evaluated: 2019-06-28. Review status: criteria provided, single submitter. Criteria: ACMG Guidelines, 2015. Collection method: clinical testing. Allele origin: germline. Affected: yes.
Comment: ACMG classification criteria: PM2, PP3